The following is an entry in ClinVar:

ClinVar aggregate classification (germline): Uncertain significance (1 of 4 stars; one submission).

Conditions:
Familial adenomatous polyposis 1 (FAP1). Also called: POLYPOSIS, ADENOMATOUS INTESTINAL; FAMILIAL ADENOMATOUS POLYPOSIS 1, ATTENUATED. Identifiers: MedGen C2713442, MONDO:0021056, OMIM 175100. Disease mechanism: loss of function.

Submission:

Labcorp Genetics (formerly Invitae), Labcorp
Classification: Uncertain significance for Familial adenomatous polyposis 1. Last evaluated: 2022-03-14. Review status: criteria provided, single submitter. Criteria: Invitae Variant Classification Sherloc (09022015). Collection method: clinical testing. Allele origin: germline.
Comment: In summary, the available evidence is currently insufficient to determine the role of this variant in disease. Therefore, it has been classified as a Variant of Uncertain Significance. Algorithms developed to predict the effect of missense changes on protein structure and function (SIFT, PolyPhen-2, Align-GVGD) all suggest that this variant is likely to be disruptive. This variant has not been reported in the literature in individuals affected with APC-related conditions. This variant is not present in population databases (gnomAD no frequency). This sequence change replaces arginine, which is basic and polar, with glycine, which is neutral and non-polar, at codon 1742 of the APC protein (p.Arg1742Gly).

NM_000038.6(APC):c.5224C>G (p.Arg1742Gly)

Gene: APC (APC regulator of Wnt signaling pathway; plus strand). Cytogenetic location: 5q22.2.
Variant type: single nucleotide variant.
Coding change: c.5224C>G on transcript NM_000038.6 (MANE Select); coding-DNA position 5224, C replaced by G.
Protein change: p.Arg1742Gly; replaces arginine 1742 with glycine.
Molecular consequence: missense variant.
Genome position (GRCh38, 1-based): chr5:112,840,818, C>G. VCF-style: chr5-112840818-C-G. GRCh37 (hg19) VCF-style: chr5-112176515-C-G.
Other names: c.5224C>G, p.Arg1742Gly (NM_001127510.3, NM_001354895.2, NM_001407450.1); c.5170C>G, p.Arg1724Gly (NM_001127511.3); c.5278C>G, p.Arg1760Gly (NM_001354896.2, NM_001407447.1, NM_001407448.1 and 1 more transcripts); c.5254C>G, p.Arg1752Gly (NM_001354897.2); c.5149C>G, p.Arg1717Gly (NM_001354898.2); c.5140C>G, p.Arg1714Gly (NM_001354899.2); c.5101C>G, p.Arg1701Gly (NM_001354900.2); c.5047C>G, p.Arg1683Gly (NM_001354901.2, NM_001407453.1); and 11 more; short protein forms R1358G, R1613G, R1641G, R1717G, R1732G, R1742G, R1651G, R1714G.
Identifiers: ClinVar variation 2112024 (VCV002112024.4), dbSNP rs876658835, ClinGen allele CA16032752.